The following is an entry in ClinVar:

ClinVar aggregate classification (germline): Uncertain significance. Review status: criteria provided, multiple submitters, no conflicts (2 of 4 stars). 4 submissions from 4 submitters: Uncertain significance (4). Last evaluated 2025-02-18.

Conditions:
Combined immunodeficiency due to LRBA deficiency. Also called: Common variable immunodeficiency 8, with autoimmunity. Identifiers: Orphanet 445018, MedGen C3553512, MONDO:0013863, OMIM 614700.

Allele frequency attached by ClinVar (database versions not stated): ExAC 0.00006; gnomAD exomes 0.00006; ESP Exome Variant Server 0.00008; gnomAD 0.00008; TOPMed 0.00008.
gnomAD v4.1: 217 of 1,613,636 alleles (0.013%); highest among the groups gnomAD compares: Non-Finnish European, 0.017%; no homozygotes.

Submissions (4):

Clinical Genomics Laboratory, Washington University in St. Louis
Classification: Uncertain significance for Combined immunodeficiency due to LRBA deficiency. Last evaluated: 2025-02-18. Review status: criteria provided, single submitter. Criteria: ACMG Guidelines, 2015. Collection method: clinical testing. Allele origin: germline.
Comment: An LRBA c.8513A>C (p.Tyr2838Ser) variant was identified in a heterozygous state. This variant, to our knowledge, has not been reported in the medical literature. This variant has been reported in the ClinVar database as a germline variant of uncertain significance by two submitters (ClinVar Variation ID: 652172). It is only observed on 15/280,608 alleles in the general population (gnomAD v2.1.1), indicating it is not a common variant. Computational predictors suggest that the variant does not impact LRBA function. Due to limited information, and based on the ACMG/AMP guidelines for variant interpretation (Richards S et al., PMID: 25741868), the clinical significance of the LRBA c.8513A>C (p.Tyr2838Ser) variant is uncertain at this time.

Labcorp Genetics (formerly Invitae), Labcorp
Classification: Uncertain significance for Combined immunodeficiency due to LRBA deficiency. Last evaluated: 2022-07-05. Review status: criteria provided, single submitter. Criteria: Invitae Variant Classification Sherloc (09022015). Collection method: clinical testing. Allele origin: germline.
Comment: This sequence change replaces tyrosine, which is neutral and polar, with serine, which is neutral and polar, at codon 2849 of the LRBA protein (p.Tyr2849Ser). This variant is present in population databases (rs372010196, gnomAD 0.01%). This missense change has been observed in individual(s) with panuveitis (PMID: 32707200). ClinVar contains an entry for this variant (Variation ID: 652172). Algorithms developed to predict the effect of missense changes on protein structure and function are either unavailable or do not agree on the potential impact of this missense change (SIFT: "Tolerated"; PolyPhen-2: "Probably Damaging"; Align-GVGD: "Class C0"). In summary, the available evidence is currently insufficient to determine the role of this variant in disease. Therefore, it has been classified as a Variant of Uncertain Significance.

Laboratorio de Genetica e Diagnostico Molecular, Hospital Israelita Albert Einstein
Classification: Uncertain significance. Last evaluated: 2021-09-05. Review status: criteria provided, single submitter. Criteria: ACMG Guidelines, 2015. Collection method: clinical testing. Allele origin: germline. Affected: yes.
Comment: ACMG classification criteria: BP4

Blueprint Genetics
Classification: Uncertain significance. Last evaluated: 2020-10-22. Review status: criteria provided, single submitter. Criteria: ACMG Guidelines, 2015. Collection method: clinical testing. Allele origin: germline.

Literature cited by the submitters: PubMed 32707200 (cited by Labcorp Genetics (formerly Invitae), Labcorp).

NM_001364905.1(LRBA):c.8513A>C (p.Tyr2838Ser)

Gene: LRBA (LPS responsive beige-like anchor protein; minus strand). Cytogenetic location: 4q31.3.
Variant type: single nucleotide variant.
Coding change: c.8513A>C on transcript NM_001364905.1 (MANE Select); coding-DNA position 8513, A replaced by C.
Protein change: p.Tyr2838Ser; replaces tyrosine 2838 with serine.
Molecular consequence: missense variant.
Genome position (GRCh38, 1-based): chr4:150,265,768, T>G on the plus strand (A>C on the coding strand, the complement: LRBA is on the minus strand). VCF-style: chr4-150265768-T-G. GRCh37 (hg19) VCF-style: chr4-151186920-T-G.
Other names: c.8510A>C, p.Tyr2837Ser (NM_001199282.3); c.8528A>C, p.Tyr2843Ser (NM_001367550.1); c.8546A>C, p.Tyr2849Ser (NM_006726.5); short protein forms Y2849S, Y2837S, Y2838S, Y2843S.
Identifiers: ClinVar variation 652172 (VCV000652172.10), dbSNP rs372010196, ClinGen allele CA3101317.